The following is an entry in ClinVar:

NM_031471.6(FERMT3):c.894+9C>T

Gene: FERMT3 (FERM domain containing kindlin 3; plus strand). Cytogenetic location: 11q13.1.
Variant type: single nucleotide variant.
Coding change: c.894+9C>T on transcript NM_031471.6 (MANE Select); 9 bases into the intron after coding-DNA position 894, C replaced by T.
Molecular consequence: intron variant.
Genome position (GRCh38, 1-based): chr11:64,219,367, C>T. VCF-style: chr11-64219367-C-T. GRCh37 (hg19) VCF-style: chr11-63986839-C-T.
Other names: c.894+9C>T (NM_001382448.1, NM_178443.3, NM_001382362.1 and 1 more transcripts); c.354+9C>T (NM_001382364.1, NM_001382363.1).
Identifiers: ClinVar variation 1391257 (VCV001391257.6), dbSNP rs377003245, ClinGen allele CA6068935.

ClinVar aggregate classification (germline): Uncertain significance (1 of 4 stars; one submission).

Conditions:
Leukocyte adhesion deficiency 3. Also called: Leukocyte adhesion deficiency, type III; INTEGRIN ACTIVATION DEFICIENCY DISEASE; LEUKOCYTE ADHESION DEFICIENCY 1 VARIANT. Identifiers: Orphanet 2968, Orphanet 99844, MedGen C2748536, MONDO:0013016, OMIM 612840.

Allele frequency attached by ClinVar (database versions not stated): ExAC 0.00004; ESP Exome Variant Server 0.00008.
gnomAD v4.1: 211 of 1,586,740 alleles (0.013%); highest among the groups gnomAD compares: Non-Finnish European, 0.017%; no homozygotes.

Submissions (2):

Labcorp Genetics (formerly Invitae), Labcorp
Classification: Uncertain significance for Leukocyte adhesion deficiency 3. Last evaluated: 2021-08-31. Review status: criteria provided, single submitter. Criteria: Invitae Variant Classification Sherloc (09022015). Collection method: clinical testing. Allele origin: germline.
Comment: This sequence change falls in intron 7 of the FERMT3 gene. It does not directly change the encoded amino acid sequence of the FERMT3 protein. This variant is present in population databases (rs377003245, ExAC 0.008%). This variant has not been reported in the literature in individuals affected with FERMT3-related conditions. Algorithms developed to predict the effect of sequence changes on RNA splicing suggest that this variant may create or strengthen a splice site. In summary, the available evidence is currently insufficient to determine the role of this variant in disease. Therefore, it has been classified as a Variant of Uncertain Significance.

Dr. Peter K. Rogan Lab, Western University
No classification provided (evidence only). Condition: Sarcoma. Review status: no classification provided. Collection method: in vitro. Allele origin: not applicable. Functional consequence: retained intron. Not counted in ClinVar's aggregate classification.